The following is an entry in ClinVar:

ClinVar aggregate classification (germline): Likely benign. Review status: criteria provided, multiple submitters, no conflicts (2 of 4 stars). 4 submissions from 4 submitters: Likely benign (4). Last evaluated 2026-01-09.

Allele frequency attached by ClinVar (database versions not stated): gnomAD 0.00001 and 0.00002; ExAC 0.00002; gnomAD exomes 0.00002 and 0.00003; TOPMed 0.00010.
gnomAD v4.1: 40 of 1,614,026 alleles (0.0025%); highest among the groups gnomAD compares: Middle Eastern, 0.033%; no homozygotes.

Submissions (4):

Labcorp Genetics (formerly Invitae), Labcorp
Classification: Likely benign. Last evaluated: 2026-01-09. Review status: criteria provided, single submitter. Criteria: Invitae Variant Classification Sherloc (09022015). Collection method: clinical testing. Allele origin: germline.

Blueprint Genetics
Classification: Likely benign. Last evaluated: 2024-06-21. Review status: criteria provided, single submitter. Criteria: ACMG Guidelines, 2015. Collection method: clinical testing. Allele origin: germline.

CeGaT Center for Human Genetics Tuebingen
Classification: Likely benign. Last evaluated: 2022-07-01. Review status: criteria provided, single submitter. Criteria: CeGaT Center For Human Genetics Tuebingen Variant Classification Criteria Version 2. Collection method: clinical testing. Allele origin: germline. Affected: yes. Observed: 1 variant allele.
Comment: CPLANE1: BP4, BP7

Breakthrough Genomics
Classification: Likely benign. Review status: criteria provided, single submitter. Criteria: ACMG Guidelines, 2015. Collection method: not provided. Allele origin: germline. Inheritance: Autosomal recessive inheritance. Affected: yes.

NM_001384732.1(CPLANE1):c.7035G>A (p.Lys2345=)

Gene: CPLANE1 (ciliogenesis and planar polarity effector complex subunit 1; minus strand). Cytogenetic location: 5p13.2.
Variant type: single nucleotide variant.
Coding change: c.7035G>A on transcript NM_001384732.1 (MANE Select); coding-DNA position 7035, G replaced by A.
Protein change: p.Lys2345=; no amino-acid change (lysine 2345 retained).
Molecular consequence: synonymous variant.
Genome position (GRCh38, 1-based): chr5:37,168,989, C>T on the plus strand (G>A on the coding strand, the complement: CPLANE1 is on the minus strand). VCF-style: chr5-37168989-C-T. GRCh37 (hg19) VCF-style: chr5-37169091-C-T.
Other names: c.7035G>A, p.Lys2345= (NM_023073.4).
Identifiers: ClinVar variation 1536096 (VCV001536096.33), dbSNP rs553651222, ClinGen allele CA3238149.
Genomic context (GRCh38, chr5:37,168,989, plus strand): 5'-TGGCAGGTATAGTAACGGAAGTCCAAAGGAATGGTGAGGAGATATCTCAAGGGTCCCTGG[C>T]TTAACATCAAATAGTTTTTCTGGTTTTATAAACACTGAAGAGTCCTGTTGAGGTGTCAAA-3'
Protein context (NP_001371661.1, residues 2335-2355): FIKPEKLFDV[Lys2345=]PGTLEISPHH